The following is an entry in ClinVar:

NM_001098816.3(TENM4):c.3632G>A (p.Arg1211His)

Gene: TENM4 (teneurin transmembrane protein 4; minus strand). Cytogenetic location: 11q14.1.
Variant type: single nucleotide variant.
Coding change: c.3632G>A on transcript NM_001098816.3 (MANE Select); coding-DNA position 3632, G replaced by A.
Protein change: p.Arg1211His; replaces arginine 1211 with histidine.
Molecular consequence: missense variant.
Genome position (GRCh38, 1-based): chr11:78,722,836, C>T on the plus strand (G>A on the coding strand, the complement: TENM4 is on the minus strand). VCF-style: chr11-78722836-C-T. GRCh37 (hg19) VCF-style: chr11-78433881-C-T.
Other names: short protein forms R1211H.
Identifiers: ClinVar variation 2395758 (VCV002395758.4), dbSNP rs555336301, ClinGen allele CA6207003.
Genomic context (GRCh38, chr11:78,722,836, plus strand): 5'-GCCAGGAGCTTGTTGCCGTCAGCAAGGCCGTTGCAGCTGGGGCAGGAGATGCTTCTCCGG[C>T]GCCCATTGCCCATGATGCTCCCAATGACAGGAGGCTGCTGAGACACAAACTGGTTCTCCC-3'
Protein context (NP_001092286.2, residues 1201-1221): PVIGSIMGNG[Arg1211His]RRSISCPSCN

ClinVar aggregate classification (germline): Uncertain significance. Review status: criteria provided, multiple submitters, no conflicts (2 of 4 stars). 2 submissions from 2 submitters: Uncertain significance (2). Last evaluated 2026-09-01.

Allele frequency attached by ClinVar (database versions not stated): gnomAD 0.00003; ExAC 0.00006; TOPMed 0.00007; 1000 Genomes Project 30x 0.00016; 1000 Genomes Project 0.00020.
gnomAD v4.1: 78 of 1,614,028 alleles (0.0048%); highest among the groups gnomAD compares: Middle Eastern, 0.066%; no homozygotes.

Submissions (2):

CeGaT Center for Human Genetics Tuebingen
Classification: Uncertain significance. Last evaluated: 2026-09-01. Review status: criteria provided, single submitter. Criteria: CeGaT Center For Human Genetics Tuebingen Variant Classification Criteria Version 2. Collection method: clinical testing. Allele origin: germline. Affected: yes. Observed: 1 variant allele.
Comment: TENM4: PM2, PP3

Ambry Genetics
Classification: Uncertain significance. Last evaluated: 2024-12-10. Review status: criteria provided, single submitter. Criteria: Ambry Variant Classification Scheme 2023. Collection method: clinical testing. Allele origin: germline.